The following is an entry in ClinVar:

ClinVar aggregate classification (germline): Pathogenic (3 of 4 stars; one submission).

Conditions:
Breast-ovarian cancer, familial, susceptibility to, 2 (BROVCA2). Also called: BRCA2 Hereditary Breast and Ovarian Cancer. Identifiers: Orphanet 145, MedGen C2675520, MONDO:0012933, OMIM 612555. Disease mechanism: loss of function.

Submission:

Evidence-based Network for the Interpretation of Germline Mutant Alleles (ENIGMA)
Classification: Pathogenic for Breast-ovarian cancer, familial, susceptibility to, 2. Last evaluated: 2017-12-15. Review status: reviewed by expert panel. Criteria: ENIGMA BRCA1/2 Classification Criteria (2017-06-29). Collection method: curation. Allele origin: germline. Study: ENIGMA.
Comment: Variant allele predicted to encode a truncated non-functional protein.

NM_000059.4(BRCA2):c.223_224insA (p.Ala75fs)

Gene: BRCA2 (BRCA2 DNA repair associated; plus strand). Cytogenetic location: 13q13.1.
Variant type: Insertion.
Coding change: c.223_224insA on transcript NM_000059.4 (MANE Select); coding-DNA positions 223 to 224, A inserted.
Protein change: p.Ala75fs; shifts the reading frame from alanine 75.
Molecular consequence: frameshift variant.
Genome position: GRCh38 VCF-style: chr13-32319232-G-GA. GRCh37 (hg19) VCF-style: chr13-32893369-G-GA.
Other names: short protein forms A75fs.
Identifiers: ClinVar variation 548413 (VCV000548413.1), dbSNP rs1555280388, ClinGen allele CA658823598.